The following is an entry in ClinVar:

NM_001035.3(RYR2):c.10567G>A (p.Ala3523Thr)

Gene: RYR2 (ryanodine receptor 2; plus strand). Cytogenetic location: 1q43.
Variant type: single nucleotide variant.
Coding change: c.10567G>A on transcript NM_001035.3 (MANE Select); coding-DNA position 10567, G replaced by A.
Protein change: p.Ala3523Thr; replaces alanine 3523 with threonine.
Molecular consequence: missense variant.
Genome position (GRCh38, 1-based): chr1:237,723,140, G>A. VCF-style: chr1-237723140-G-A. GRCh37 (hg19) VCF-style: chr1-237886440-G-A.
Other names: c.10567G>A (NM_001035.2); short protein forms A3523T.
Identifiers: ClinVar variation 3069454 (VCV003069454.5), dbSNP rs1206114481, ClinGen allele CA345415945.
Genomic context (GRCh38, chr1:237,723,140, plus strand): 5'-TTTTTAGATTCCCATCTTCCCATTGTAACCTTTTCCTTTTTTCTGCAGTTGGAGGATCCT[G>A]CTATTAGATGGCAAATGGCTCTTTACAAAGACTTACCAAACAGGACTGATGATACCTCAG-3'
Protein context (NP_001026.2, residues 3513-3533): IHLQGKLEDP[Ala3523Thr]IRWQMALYKD

ClinVar aggregate classification (germline): Uncertain significance. Review status: criteria provided, multiple submitters, no conflicts (2 of 4 stars). 4 submissions from 4 submitters: Uncertain significance (4). Last evaluated 2025-08-30.

Conditions:
Catecholaminergic polymorphic ventricular tachycardia (CVPT). Also called: Catecholamine-induced polymorphic ventricular tachycardia. Identifiers: Orphanet 3286, MedGen C5574922, MONDO:0017990.
Cardiomyopathy (CMYO). Also called: Cardiomyopathies. Identifiers: Orphanet 167848, MedGen C0878544, MONDO:0004994, HP:0001638. Inheritance: Various modes of inheritance.
Cardiovascular phenotype. Identifiers: MedGen CN230736.
Catecholaminergic polymorphic ventricular tachycardia 1. Also called: RYR2-Related Catecholaminergic Polymorphic Ventricular Tachycardia; VENTRICULAR TACHYCARDIA, STRESS-INDUCED POLYMORPHIC 1; VENTRICULAR TACHYCARDIA, CATECHOLAMINERGIC POLYMORPHIC, 1, WITH OR WITHOUT ATRIAL DYSFUNCTION AND/OR DILATED CARDIOMYOPATHY. Identifiers: Orphanet 3286, MedGen C1631597, MONDO:0011484, OMIM 604772.

gnomAD v4.1: 19 of 1,608,754 alleles (0.0012%); highest among the groups gnomAD compares: Non-Finnish European, 0.0015%; no homozygotes.

Submissions (4):

Color Diagnostics, LLC DBA Color Health
Classification: Uncertain significance for Cardiomyopathy. Last evaluated: 2025-08-30. Review status: criteria provided, single submitter. Criteria: ACMG Guidelines, 2015. Collection method: clinical testing. Allele origin: germline.
Comment: This missense variant replaces alanine with threonine at codon 3523 of the RYR2 protein. Computational prediction is inconclusive regarding the impact of this variant on protein structure and function. To our knowledge, functional studies have not been reported for this variant. This variant has not been reported in individuals affected with RYR2-related disorders in the literature. This variant has been identified in 1/244624 chromosomes in the general population by the Genome Aggregation Database (gnomAD). The available evidence is insufficient to determine the role of this variant in disease conclusively. Therefore, this variant is classified as a Variant of Uncertain Significance.

Ambry Genetics
Classification: Uncertain significance for Cardiovascular phenotype. Last evaluated: 2025-07-18. Review status: criteria provided, single submitter. Criteria: Ambry Variant Classification Scheme 2023. Collection method: clinical testing. Allele origin: germline.
Comment: The p.A3523T variant (also known as c.10567G>A), located in coding exon 74 of the RYR2 gene, results from a G to A substitution at nucleotide position 10567. The alanine at codon 3523 is replaced by threonine, an amino acid with similar properties. This amino acid position is highly conserved in available vertebrate species. In addition, the in silico prediction for this alteration is inconclusive. Based on the available evidence, the clinical significance of this variant remains unclear.

Labcorp Genetics (formerly Invitae), Labcorp
Classification: Uncertain significance for Catecholaminergic polymorphic ventricular tachycardia 1. Last evaluated: 2025-01-17. Review status: criteria provided, single submitter. Criteria: Invitae Variant Classification Sherloc (09022015). Collection method: clinical testing. Allele origin: germline.
Comment: This sequence change replaces alanine, which is neutral and non-polar, with threonine, which is neutral and polar, at codon 3523 of the RYR2 protein (p.Ala3523Thr). This variant is present in population databases (no rsID available, gnomAD 0.0009%). This variant has not been reported in the literature in individuals affected with RYR2-related conditions. ClinVar contains an entry for this variant (Variation ID: 3069454). Invitae Evidence Modeling of protein sequence and biophysical properties (such as structural, functional, and spatial information, amino acid conservation, physicochemical variation, residue mobility, and thermodynamic stability) indicates that this missense variant is not expected to disrupt RYR2 protein function with a negative predictive value of 95%. In summary, the available evidence is currently insufficient to determine the role of this variant in disease. Therefore, it has been classified as a Variant of Uncertain Significance.

All of Us Research Program, National Institutes of Health
Classification: Uncertain significance for Catecholaminergic polymorphic ventricular tachycardia. Last evaluated: 2023-03-04. Review status: criteria provided, single submitter. Criteria: ACMG Guidelines, 2015. Collection method: clinical testing. Allele origin: germline. Inheritance: Autosomal dominant inheritance. Observed: 1 variant allele, 1 heterozygote.
Comment: This study involves interpretation of variants in research participants for the purpose of population health screening. Participant phenotype was not available at the time of variant classification. Additional details can be found in publication PMID: 35346344, PMCID: PMC8962531